The following is an entry in ClinVar:

ClinVar aggregate classification (germline): Uncertain significance. Review status: criteria provided, multiple submitters, no conflicts (2 of 4 stars). 2 submissions from 2 submitters: Uncertain significance (2). Last evaluated 2023-11-13.

Conditions:
Inborn genetic diseases. Identifiers: MedGen C0950123, MeSH D030342.

Allele frequency attached by ClinVar (database versions not stated): gnomAD exomes 0.00003 and 0.00001; TOPMed 0.00015; 1000 Genomes Project 30x 0.00016; 1000 Genomes Project 0.00020; ExAC 0.00001; gnomAD 0.00004 and 0.00006.
gnomAD v4.1: 18 of 1,613,944 alleles (0.0011%); highest among the groups gnomAD compares: Admixed American, 0.025%; no homozygotes.

Submissions (2):

Ambry Genetics
Classification: Uncertain significance for Inborn genetic diseases. Last evaluated: 2023-11-13. Review status: criteria provided, single submitter. Criteria: Ambry Variant Classification Scheme 2023. Collection method: clinical testing. Allele origin: germline.

Labcorp Genetics (formerly Invitae), Labcorp
Classification: Uncertain significance. Last evaluated: 2022-08-22. Review status: criteria provided, single submitter. Criteria: Invitae Variant Classification Sherloc (09022015). Collection method: clinical testing. Allele origin: germline.
Comment: This sequence change replaces leucine, which is neutral and non-polar, with proline, which is neutral and non-polar, at codon 248 of the CABP4 protein (p.Leu248Pro). This variant is present in population databases (rs199516959, gnomAD 0.01%). This variant has not been reported in the literature in individuals affected with CABP4-related conditions. ClinVar contains an entry for this variant (Variation ID: 863076). Algorithms developed to predict the effect of missense changes on protein structure and function (SIFT, PolyPhen-2, Align-GVGD) all suggest that this variant is likely to be disruptive. In summary, the available evidence is currently insufficient to determine the role of this variant in disease. Therefore, it has been classified as a Variant of Uncertain Significance.

NM_145200.5(CABP4):c.743T>C (p.Leu248Pro)

Gene: CABP4 (calcium binding protein 4; plus strand). Cytogenetic location: 11q13.2.
Variant type: single nucleotide variant.
Coding change: c.743T>C on transcript NM_145200.5 (MANE Select); coding-DNA position 743, T replaced by C.
Protein change: p.Leu248Pro; replaces leucine 248 with proline.
Molecular consequence: missense variant. On other transcripts: non-coding transcript variant (1).
Genome position (GRCh38, 1-based): chr11:67,458,462, T>C. VCF-style: chr11-67458462-T-C. GRCh37 (hg19) VCF-style: chr11-67225933-T-C.
Other names: c.428T>C, p.Leu143Pro (NM_001300895.3, NM_001300896.3, NM_001379183.1); short protein forms L248P, L143P.
Identifiers: ClinVar variation 863076 (VCV000863076.6), dbSNP rs199516959, ClinGen allele CA6140337.